The following is an entry in ClinVar:

ClinVar aggregate classification (germline): Uncertain significance (1 of 4 stars; one submission).

Conditions:
UBR1-related disorder. Also called: UBR1-related condition.

Submission:

PreventionGenetics, part of Exact Sciences
Classification: Uncertain significance for UBR1-related condition. Last evaluated: 2025-06-16. Review status: criteria provided, single submitter. Criteria: ACMG Guidelines, 2015. Collection method: clinical testing. Allele origin: germline.
Comment: The UBR1 c.2153C>A variant is predicted to result in the amino acid substitution p.Ala718Asp. To our knowledge, this variant has not been reported in the literature. This variant is reported in 0.020% of alleles in individuals of East Asian descent in gnomAD. At this time, the clinical significance of this variant is uncertain due to the absence of conclusive functional and genetic evidence.

NM_174916.3(UBR1):c.2153C>A (p.Ala718Asp)

Gene: UBR1 (ubiquitin protein ligase E3 component n-recognin 1; minus strand). Cytogenetic location: 15q15.2.
Variant type: single nucleotide variant.
Coding change: c.2153C>A on transcript NM_174916.3 (MANE Select); coding-DNA position 2153, C replaced by A.
Protein change: p.Ala718Asp; replaces alanine 718 with aspartic acid.
Molecular consequence: missense variant.
Genome position (GRCh38, 1-based): chr15:43,036,215, G>T on the plus strand (C>A on the coding strand, the complement: UBR1 is on the minus strand). VCF-style: chr15-43036215-G-T. GRCh37 (hg19) VCF-style: chr15-43328413-G-T.
Other names: short protein forms A718D.
Identifiers: ClinVar variation 4978071 (VCV004978071.1).